The following is an entry in ClinVar:

ClinVar aggregate classification (germline): Uncertain significance. Review status: criteria provided, multiple submitters, no conflicts (2 of 4 stars). 2 submissions from 2 submitters: Uncertain significance (2). Last evaluated 2025-11-16.

Conditions:
Hereditary cancer-predisposing syndrome. Also called: Neoplastic Syndromes, Hereditary; Tumor predisposition; Hereditary Cancer Syndrome; Hereditary neoplastic syndrome. Identifiers: Orphanet 140162, MedGen C0027672, MeSH D009386, MONDO:0015356.

Allele frequency attached by ClinVar (database versions not stated): TOPMed 0.00002; gnomAD 0.00003; 1000 Genomes Project 30x 0.00016; 1000 Genomes Project 0.00020.
gnomAD v4.1: 20 of 1,612,620 alleles (0.0012%); highest among the groups gnomAD compares: African/African-American, 0.0067%; no homozygotes.

Submissions (2):

Labcorp Genetics (formerly Invitae), Labcorp
Classification: Uncertain significance. Last evaluated: 2025-11-16. Review status: criteria provided, single submitter. Criteria: Invitae Variant Classification Sherloc (09022015). Collection method: clinical testing. Allele origin: germline.
Comment: This sequence change replaces arginine, which is basic and polar, with glutamine, which is neutral and polar, at codon 796 of the MSH3 protein (p.Arg796Gln). The frequency data for this variant in the population databases is considered unreliable, as metrics indicate poor data quality at this position in the gnomAD database. This variant has not been reported in the literature in individuals affected with MSH3-related conditions. ClinVar contains an entry for this variant (Variation ID: 652531). An algorithm developed to predict the effect of missense changes on protein structure and function (PolyPhen-2) suggests that this variant is likely to be disruptive. In summary, the available evidence is currently insufficient to determine the role of this variant in disease. Therefore, it has been classified as a Variant of Uncertain Significance.

Ambry Genetics
Classification: Uncertain significance for Hereditary cancer-predisposing syndrome. Last evaluated: 2024-06-04. Review status: criteria provided, single submitter. Criteria: Ambry Variant Classification Scheme 2023. Collection method: clinical testing. Allele origin: germline.
Comment: The p.R796Q variant (also known as c.2387G>A), located in coding exon 17 of the MSH3 gene, results from a G to A substitution at nucleotide position 2387. The arginine at codon 796 is replaced by glutamine, an amino acid with highly similar properties. This amino acid position is highly conserved in available vertebrate species. In addition, this alteration is predicted to be deleterious by in silico analysis. Based on the available evidence, the clinical significance of this variant remains unclear.

NM_002439.5(MSH3):c.2387G>A (p.Arg796Gln)

Gene: MSH3 (mutS homolog 3; plus strand). Cytogenetic location: 5q14.1.
Variant type: single nucleotide variant.
Coding change: c.2387G>A on transcript NM_002439.5 (MANE Select); coding-DNA position 2387, G replaced by A.
Protein change: p.Arg796Gln; replaces arginine 796 with glutamine.
Molecular consequence: missense variant.
Genome position (GRCh38, 1-based): chr5:80,778,788, G>A. VCF-style: chr5-80778788-G-A. GRCh37 (hg19) VCF-style: chr5-80074607-G-A.
Other names: short protein forms R796Q.
Identifiers: ClinVar variation 652531 (VCV000652531.12), dbSNP rs542104580, ClinGen allele CA3328237.